The following is an entry in ClinVar:

ClinVar aggregate classification (germline): Uncertain significance (1 of 4 stars; one submission).

Conditions:
Pfeiffer syndrome (ACS5). Also called: ACS V. Identifiers: Orphanet 710, MedGen C0220658, MONDO:0007043, OMIM 101600.
Hypogonadotropic hypogonadism 2 with or without anosmia (HH2). Also called: FGFR1-Related GnRH Deficiency (Kallmann Syndrome 2); HYPOGONADOTROPIC HYPOGONADISM 2 WITHOUT ANOSMIA; HYPOGONADOTROPIC HYPOGONADISM 2 WITH OR WITHOUT ANOSMIA, SUSCEPTIBILITY TO; HYPOGONADOTROPIC HYPOGONADISM 2 WITHOUT ANOSMIA, SUSCEPTIBILITY TO. Identifiers: Orphanet 478, MedGen C1563720, MONDO:0007844, OMIM 147950. Disease mechanism: loss of function.

Submission:

Labcorp Genetics (formerly Invitae), Labcorp
Classification: Uncertain significance for Pfeiffer syndrome; Hypogonadotropic hypogonadism 2 with or without anosmia. Last evaluated: 2021-10-05. Review status: criteria provided, single submitter. Criteria: Invitae Variant Classification Sherloc (09022015). Collection method: clinical testing. Allele origin: germline.
Comment: This sequence change replaces cysteine with tyrosine at codon 55 of the FGFR1 protein (p.Cys55Tyr). The cysteine residue is highly conserved and there is a large physicochemical difference between cysteine and tyrosine. This variant is not present in population databases (ExAC no frequency). This missense change has been observed in individual(s) with clinical features of autosomal dominant Kallmann syndrome (Invitae). Algorithms developed to predict the effect of missense changes on protein structure and function are either unavailable or do not agree on the potential impact of this missense change (SIFT: "Deleterious"; PolyPhen-2: "Probably Damaging"; Align-GVGD: "Class C0"). In summary, the available evidence is currently insufficient to determine the role of this variant in disease. Therefore, it has been classified as a Variant of Uncertain Significance.

NM_023110.3(FGFR1):c.164G>A (p.Cys55Tyr)

Gene: FGFR1 (fibroblast growth factor receptor 1; minus strand). Cytogenetic location: 8p11.23.
Variant type: single nucleotide variant.
Coding change: c.164G>A on transcript NM_023110.3 (MANE Select); coding-DNA position 164, G replaced by A.
Protein change: p.Cys55Tyr; replaces cysteine 55 with tyrosine.
Molecular consequence: missense variant. On other transcripts: intron variant (5).
Genome position (GRCh38, 1-based): chr8:38,429,876, C>T on the plus strand (G>A on the coding strand, the complement: FGFR1 is on the minus strand). VCF-style: chr8-38429876-C-T. GRCh37 (hg19) VCF-style: chr8-38287394-C-T.
Other names: c.164G>A, p.Cys55Tyr (NM_001174063.2, NM_001174065.2, NM_001354367.2 and 2 more transcripts); c.140G>A, p.Cys47Tyr (NM_001174064.2); c.263G>A, p.Cys88Tyr (NM_001174067.2); c.92-1441G>A (NM_001354368.2, NM_001354370.2, NM_023106.3 and 2 more transcripts); short protein forms C55Y, C47Y, C88Y.
Identifiers: ClinVar variation 1430227 (VCV001430227.6), dbSNP rs2150964150, ClinGen allele CA370736519.